The following is an entry in ClinVar:

ClinVar aggregate classification (germline): Likely benign. Review status: criteria provided, multiple submitters, no conflicts (2 of 4 stars). 5 submissions from 5 submitters: Likely benign (5). Last evaluated 2026-01-26.

Conditions:
BRCA2-related cancer predisposition. Identifiers: MedGen CN377758, MONDO:0700269.
Hereditary breast ovarian cancer syndrome. Also called: Hereditary breast and ovarian cancer syndrome; BRCA1- and BRCA2-Associated Hereditary Breast and Ovarian Cancer; Hereditary breast and ovarian cancer; Hereditary breast and ovarian cancer syndrome (HBOC); Breast and ovarian cancer; Hereditary breast and/or ovarian cancer syndrome. Identifiers: Orphanet 145, MedGen C0677776, MeSH D061325, MONDO:0003582. Disease mechanism: loss of function.
Hereditary cancer-predisposing syndrome. Also called: Neoplastic Syndromes, Hereditary; Tumor predisposition; Hereditary Cancer Syndrome; Hereditary neoplastic syndrome. Identifiers: Orphanet 140162, MedGen C0027672, MeSH D009386, MONDO:0015356.

gnomAD v4.1: 3 of 1,614,098 alleles (0.00019%); highest among the groups gnomAD compares: Non-Finnish European, 0.00025%; no homozygotes.

Submissions (5):

Labcorp Genetics (formerly Invitae), Labcorp
Classification: Likely benign for Hereditary breast ovarian cancer syndrome. Last evaluated: 2026-01-26. Review status: criteria provided, single submitter. Criteria: Invitae Variant Classification Sherloc (09022015). Collection method: clinical testing. Allele origin: germline.

All of Us Research Program, National Institutes of Health
Classification: Likely benign for BRCA2-related cancer predisposition. Last evaluated: 2024-09-23. Review status: criteria provided, single submitter. Criteria: ACMG Guidelines, 2015. Collection method: clinical testing. Allele origin: germline. Inheritance: Autosomal dominant inheritance. Observed: 1 variant allele, 1 heterozygote.
Comment: This study involves interpretation of variants in research participants for the purpose of population health screening. Participant phenotype was not available at the time of variant classification. Additional details can be found in publication PMID: 35346344, PMCID: PMC8962531

Ambry Genetics
Classification: Likely benign for Hereditary cancer-predisposing syndrome. Last evaluated: 2023-01-26. Review status: criteria provided, single submitter. Criteria: Ambry Variant Classification Scheme 2023. Collection method: clinical testing. Allele origin: germline.

Women's Health and Genetics/Laboratory Corporation of America, LabCorp
Classification: Likely benign. Last evaluated: 2022-01-08. Review status: criteria provided, single submitter. Criteria: LabCorp Variant Classification Summary - May 2015. Collection method: clinical testing. Allele origin: germline.

Color Diagnostics, LLC DBA Color Health
Classification: Likely benign for Hereditary cancer-predisposing syndrome. Last evaluated: 2019-01-22. Review status: criteria provided, single submitter. Criteria: ACMG Guidelines, 2015. Collection method: clinical testing. Allele origin: germline.

NM_000059.4(BRCA2):c.9168C>T (p.His3056=)

Gene: BRCA2 (BRCA2 DNA repair associated; plus strand). Cytogenetic location: 13q13.1.
Variant type: single nucleotide variant.
Coding change: c.9168C>T on transcript NM_000059.4 (MANE Select); coding-DNA position 9168, C replaced by T.
Protein change: p.His3056=; no amino-acid change (histidine 3056 retained).
Molecular consequence: synonymous variant.
Genome position (GRCh38, 1-based): chr13:32,380,057, C>T. VCF-style: chr13-32380057-C-T. GRCh37 (hg19) VCF-style: chr13-32954194-C-T.
Identifiers: ClinVar variation 925645 (VCV000925645.14), dbSNP rs876661266, ClinGen allele CA483262065.
Genomic context (GRCh38, chr13:32,380,057, plus strand): 5'-TTTTCTGTAGGTTTCAGATGAAATTTTATTTCAGATTTACCAGCCACGGGAGCCCCTTCA[C>T]TTCAGCAAATTTTTAGATCCAGACTTTCAGCCATCTTGTTCTGAGGTGGACCTAATAGGA-3'
Protein context (NP_000050.3, residues 3046-3066): FQIYQPREPL[His3056=]FSKFLDPDFQ